The following is an entry in ClinVar:

ClinVar aggregate classification (germline): Likely benign (1 of 4 stars; one submission).

gnomAD v4.1: 818 of 1,613,998 alleles (0.051%); highest among the groups gnomAD compares: South Asian, 0.83%; 21 homozygotes.

Submission:

CeGaT Center for Human Genetics Tuebingen
Classification: Likely benign. Last evaluated: 2026-07-01. Review status: criteria provided, single submitter. Criteria: CeGaT Center For Human Genetics Tuebingen Variant Classification Criteria Version 2. Collection method: clinical testing. Allele origin: germline. Affected: yes. Observed: 2 variant alleles.
Comment: WARS1: BP4, BP7, BS2

NM_004184.4(WARS1):c.1092G>A (p.Thr364=)

Gene: WARS1 (tryptophanyl-tRNA synthetase 1; minus strand). Cytogenetic location: 14q32.2.
Variant type: single nucleotide variant.
Coding change: c.1092G>A on transcript NM_004184.4 (MANE Select); coding-DNA position 1092, G replaced by A.
Protein change: p.Thr364=; no amino-acid change (threonine 364 retained).
Molecular consequence: synonymous variant.
Genome position (GRCh38, 1-based): chr14:100,342,419, C>T on the plus strand (G>A on the coding strand, the complement: WARS1 is on the minus strand). VCF-style: chr14-100342419-C-T. GRCh37 (hg19) VCF-style: chr14-100808756-C-T.
Other names: c.1092G>A, p.Thr364= (NM_173701.2); c.969G>A, p.Thr323= (NM_213645.2, NM_213646.2).
Identifiers: ClinVar variation 4280805 (VCV004280805.7).